The following is an entry in ClinVar:

NM_001367561.1(DOCK7):c.4957C>G (p.Leu1653Val)

Gene: DOCK7 (dedicator of cytokinesis 7; minus strand). Cytogenetic location: 1p31.3.
Variant type: single nucleotide variant.
Coding change: c.4957C>G on transcript NM_001367561.1 (MANE Select); coding-DNA position 4957, C replaced by G.
Protein change: p.Leu1653Val; replaces leucine 1653 with valine.
Molecular consequence: missense variant.
Genome position (GRCh38, 1-based): chr1:62,495,648, G>C on the plus strand (C>G on the coding strand, the complement: DOCK7 is on the minus strand). VCF-style: chr1-62495648-G-C. GRCh37 (hg19) VCF-style: chr1-62961319-G-C.
Other names: c.4864C>G (NM_033407.2); c.4930C>G, p.Leu1644Val (NM_001271999.2, NM_001330614.2); c.4837C>G, p.Leu1613Val (NM_001272000.2, NM_001272001.2); c.4864C>G, p.Leu1622Val (NM_033407.4); short protein forms L1644V, L1622V, L1613V, L1653V.
Identifiers: ClinVar variation 475156 (VCV000475156.7), dbSNP rs1432807468, ClinGen allele CA340613413.

ClinVar aggregate classification (germline): Uncertain significance. Review status: criteria provided, multiple submitters, no conflicts (2 of 4 stars). 2 submissions from 2 submitters: Uncertain significance (2). Last evaluated 2026-02-24.

Conditions:
Developmental and epileptic encephalopathy, 23 (DEE23). Also called: Epileptic encephalopathy, early infantile, 23. Identifiers: Orphanet 411986, MedGen C4014492, MONDO:0014371, OMIM 615859.
Inborn genetic diseases. Identifiers: MedGen C0950123, MeSH D030342.

Submissions (2):

Ambry Genetics
Classification: Uncertain significance for Inborn genetic diseases. Last evaluated: 2026-02-24. Review status: criteria provided, single submitter. Criteria: Ambry Variant Classification Scheme 2023. Collection method: clinical testing. Allele origin: germline.

Labcorp Genetics (formerly Invitae), Labcorp
Classification: Uncertain significance for Developmental and epileptic encephalopathy, 23. Last evaluated: 2021-09-01. Review status: criteria provided, single submitter. Criteria: Invitae Variant Classification Sherloc (09022015). Collection method: clinical testing. Allele origin: germline.
Comment: This sequence change replaces leucine with valine at codon 1644 of the DOCK7 protein (p.Leu1644Val). The leucine residue is highly conserved and there is a small physicochemical difference between leucine and valine. This variant is not present in population databases (ExAC no frequency). This variant has not been reported in the literature in individuals affected with DOCK7-related conditions. Algorithms developed to predict the effect of missense changes on protein structure and function are either unavailable or do not agree on the potential impact of this missense change (SIFT: "Deleterious"; PolyPhen-2: "Probably Damaging"; Align-GVGD: "Class C0"). In summary, the available evidence is currently insufficient to determine the role of this variant in disease. Therefore, it has been classified as a Variant of Uncertain Significance.